The following is an entry in ClinVar:

ClinVar aggregate classification (germline): Uncertain significance. Review status: criteria provided, multiple submitters, no conflicts (2 of 4 stars). 2 submissions from 2 submitters: Uncertain significance (2). Last evaluated 2025-12-19.

Conditions:
Xanthinuria type II. Also called: Xanthine dehydrogenase and aldehyde oxidase combined deficiency of; XDH and AOX dual deficiency. Identifiers: Orphanet 3467, Orphanet 93602, MedGen C1863688, MONDO:0011346, OMIM 603592.

Allele frequency attached by ClinVar (database versions not stated): ExAC 0.00001; gnomAD exomes 0.00001; gnomAD 0.00002; TOPMed 0.00002.
gnomAD v4.1: 7 of 1,613,206 alleles (0.00043%); highest among the groups gnomAD compares: Admixed American, 0.0017%; no homozygotes.

Submissions (2):

Labcorp Genetics (formerly Invitae), Labcorp
Classification: Uncertain significance for Xanthinuria type II. Last evaluated: 2025-12-19. Review status: criteria provided, single submitter. Criteria: Invitae Variant Classification Sherloc (09022015). Collection method: clinical testing. Allele origin: germline.
Comment: This sequence change replaces asparagine, which is neutral and polar, with serine, which is neutral and polar, at codon 607 of the MOCOS protein (p.Asn607Ser). This variant is present in population databases (rs778283248, gnomAD 0.004%). This variant has not been reported in the literature in individuals affected with MOCOS-related conditions. ClinVar contains an entry for this variant (Variation ID: 2153639). Invitae Evidence Modeling of protein sequence and biophysical properties (such as structural, functional, and spatial information, amino acid conservation, physicochemical variation, residue mobility, and thermodynamic stability) indicates that this missense variant is not expected to disrupt MOCOS protein function with a negative predictive value of 80%. In summary, the available evidence is currently insufficient to determine the role of this variant in disease. Therefore, it has been classified as a Variant of Uncertain Significance.

Ambry Genetics
Classification: Uncertain significance. Last evaluated: 2022-10-26. Review status: criteria provided, single submitter. Criteria: Ambry Variant Classification Scheme 2023. Collection method: clinical testing. Allele origin: germline.

NM_017947.4(MOCOS):c.1820A>G (p.Asn607Ser)

Gene: MOCOS (molybdenum cofactor sulfurase; plus strand). Cytogenetic location: 18q12.2.
Variant type: single nucleotide variant.
Coding change: c.1820A>G on transcript NM_017947.4 (MANE Select); coding-DNA position 1820, A replaced by G.
Protein change: p.Asn607Ser; replaces asparagine 607 with serine.
Molecular consequence: missense variant.
Genome position (GRCh38, 1-based): chr18:36,220,077, A>G. VCF-style: chr18-36220077-A-G. GRCh37 (hg19) VCF-style: chr18-33800040-A-G.
Other names: c.1820A>G (NM_017947.2); short protein forms N607S.
Identifiers: ClinVar variation 2153639 (VCV002153639.4), dbSNP rs778283248, ClinGen allele CA8940845.